The following is an entry in ClinVar:

NM_001903.5(CTNNA1):c.1901C>A (p.Thr634Asn)

Gene: CTNNA1 (catenin alpha 1; plus strand). Cytogenetic location: 5q31.2.
Variant type: single nucleotide variant.
Coding change: c.1901C>A on transcript NM_001903.5 (MANE Select); coding-DNA position 1901, C replaced by A.
Protein change: p.Thr634Asn; replaces threonine 634 with asparagine.
Molecular consequence: missense variant.
Genome position (GRCh38, 1-based): chr5:138,929,247, C>A. VCF-style: chr5-138929247-C-A. GRCh37 (hg19) VCF-style: chr5-138264936-C-A.
Other names: c.1901C>A, p.Thr634Asn (NM_001290307.3, NM_001323982.2, NM_001323983.1 and 2 more transcripts); c.1592C>A, p.Thr531Asn (NM_001290309.3); c.1532C>A, p.Thr511Asn (NM_001290310.3); c.791C>A, p.Thr264Asn (NM_001290312.1, NM_001323987.1, NM_001323988.1 and 17 more transcripts); c.1808C>A, p.Thr603Asn (NM_001323986.2); c.1901C>A (NM_001903.2); c.452C>A, p.Thr151Asn (NM_001324006.1, NM_001324007.1, NM_001324008.1 and 2 more transcripts); c.698C>A, p.Thr233Asn (NM_001324011.1); and 1 more; short protein forms T233N, T264N, T151N, T183N, T634N, T511N, T531N, T603N.
Identifiers: ClinVar variation 1943223 (VCV001943223.6), dbSNP rs2533819346, ClinGen allele CA361132670.
Genomic context (GRCh38, chr5:138,929,247, plus strand): 5'-TGGCTGGGGGCTGGTGGCCCAGAGATGTGTCTGACCTGTGATCTTTGTCTGGGTGGCAGA[C>A]CCCTGAGGAGTTGGATGACTCTGACTTTGAGACAGAAGATTTTGATGTCAGAAGCAGGAC-3'
Protein context (NP_001894.2, residues 624-644): DIRKAVLMIR[Thr634Asn]PEELDDSDFE

ClinVar aggregate classification (germline): Uncertain significance. Review status: criteria provided, multiple submitters, no conflicts (2 of 4 stars). 2 submissions from 2 submitters: Uncertain significance (2). Last evaluated 2026-01-25.

Conditions:
Hereditary cancer-predisposing syndrome. Also called: Tumor predisposition; Hereditary Cancer Syndrome; Hereditary neoplastic syndrome; Neoplastic Syndromes, Hereditary. Identifiers: Orphanet 140162, MedGen C0027672, MeSH D009386, MONDO:0015356.

Submissions (2):

Ambry Genetics
Classification: Uncertain significance for Hereditary cancer-predisposing syndrome. Last evaluated: 2026-01-25. Review status: criteria provided, single submitter. Criteria: Ambry Variant Classification Scheme 2023. Collection method: clinical testing. Allele origin: germline.
Comment: The p.T634N variant (also known as c.1901C>A), located in coding exon 13 of the CTNNA1 gene, results from a C to A substitution at nucleotide position 1901. The threonine at codon 634 is replaced by asparagine, an amino acid with similar properties. This amino acid position is conserved. In addition, this alteration is predicted to be tolerated by in silico analysis. Based on the available evidence, the clinical significance of this variant remains unclear.

Labcorp Genetics (formerly Invitae), Labcorp
Classification: Uncertain significance. Last evaluated: 2022-04-10. Review status: criteria provided, single submitter. Criteria: Invitae Variant Classification Sherloc (09022015). Collection method: clinical testing. Allele origin: germline.
Comment: This variant is not present in population databases (gnomAD no frequency). This sequence change replaces threonine, which is neutral and polar, with asparagine, which is neutral and polar, at codon 634 of the CTNNA1 protein (p.Thr634Asn). This variant has not been reported in the literature in individuals affected with CTNNA1-related conditions. Algorithms developed to predict the effect of missense changes on protein structure and function are either unavailable or do not agree on the potential impact of this missense change (SIFT: "Deleterious"; PolyPhen-2: "Benign"; Align-GVGD: "Class C0"). In summary, the available evidence is currently insufficient to determine the role of this variant in disease. Therefore, it has been classified as a Variant of Uncertain Significance.